The following is an entry in ClinVar:

NM_012210.4(TRIM32):c.409C>T (p.Pro137Ser)

Genes: ASTN2 (astrotactin 2; minus strand), TRIM32 (tripartite motif containing 32; plus strand). Cytogenetic location: 9q33.1.
Variant type: single nucleotide variant.
Coding change: c.409C>T on transcript NM_012210.4 (MANE Select); coding-DNA position 409, C replaced by T.
Protein change: p.Pro137Ser; replaces proline 137 with serine.
Molecular consequence: missense variant. On other transcripts: intron variant (3).
Genome position (GRCh38, 1-based): chr9:116,698,151, C>T. VCF-style: chr9-116698151-C-T. GRCh37 (hg19) VCF-style: chr9-119460430-C-T.
Other names: c.409C>T, p.Pro137Ser (NM_001099679.2, NM_001379048.1, NM_001379049.1 and 1 more transcripts); c.2653+27620G>A (NM_014010.5); c.2794+27620G>A (NM_001365069.1); c.2806+27620G>A (NM_001365068.1); short protein forms P137S.
Identifiers: ClinVar variation 364717 (VCV000364717.22), dbSNP rs200997003, ClinGen allele CA5210968.
Genomic context (GRCh38, chr9:116,698,151, plus strand): 5'-TTGGTGTTATGTGAGCCCTGCCGGGAGGCAGACCATCAGCCTCCTGGCCACTGTACACTC[C>T]CTGTCAAAGAAGCAGCTGAGGAGCGGCGTCGGGACTTTGGAGAGAAGTTAACTCGTCTGC-3'
Protein context (NP_036342.2, residues 127-147): DHQPPGHCTL[Pro137Ser]VKEAAEERRR

ClinVar aggregate classification (germline): Conflicting classifications of pathogenicity. Review status: criteria provided, conflicting classifications (1 of 4 stars). 6 submissions from 5 submitters: Uncertain significance (2); Likely benign (3). 1 of the submissions does not count toward it. Last evaluated 2026-01-20.

Conditions:
TRIM32-related disorder. Also called: TRIM32-related condition.
Bardet-Biedl syndrome 11 (BBS11). Identifiers: Orphanet 110, MedGen C1859569, MONDO:0014439, OMIM 615988.
Bardet-Biedl syndrome (BBS). Identifiers: Orphanet 110, MedGen C0752166, MONDO:0015229.
Sarcotubular myopathy (LGMDR8). Also called: Limb-girdle muscular dystrophy, type 2H; Hutterite type of muscular dystrophy; Autosomal recessive limb-girdle muscular dystrophy type 2H; MUSCULAR DYSTROPHY, LIMB-GIRDLE, AUTOSOMAL RECESSIVE 8. Identifiers: Orphanet 1878, MedGen C0270968, MONDO:0009683, OMIM 254110.

Allele frequency attached by ClinVar (database versions not stated): gnomAD exomes 0.00008 and 0.00033; gnomAD 0.00011 and 0.00013; ExAC 0.00028; TOPMed 0.00029; 1000 Genomes Project 30x 0.00062; 1000 Genomes Project 0.00080.
gnomAD v4.1: 146 of 1,614,128 alleles (0.009%); highest among the groups gnomAD compares: East Asian, 0.26%; no homozygotes.

Submissions (6):

Labcorp Genetics (formerly Invitae), Labcorp
Classification: Likely benign for Bardet-Biedl syndrome. Last evaluated: 2026-01-20. Review status: criteria provided, single submitter. Criteria: Invitae Variant Classification Sherloc (09022015). Collection method: clinical testing. Allele origin: germline.

Revvity Omics, Revvity
Classification: Likely benign. Last evaluated: 2024-06-03. Review status: criteria provided, single submitter. Criteria: ACMG Guidelines, 2015. Collection method: clinical testing. Allele origin: germline.

GeneDx
Classification: Likely benign. Last evaluated: 2020-08-19. Review status: criteria provided, single submitter. Criteria: GeneDx Variant Classification Process June 2021. Collection method: clinical testing. Allele origin: germline. Affected: yes.

Illumina Laboratory Services, Illumina
Classification: Uncertain significance for Bardet-Biedl syndrome 11. Last evaluated: 2018-01-12. Review status: criteria provided, single submitter. Criteria: ICSL Variant Classification Criteria 13 December 2019. Collection method: clinical testing. Allele origin: germline.

Illumina Laboratory Services, Illumina
Classification: Uncertain significance for Sarcotubular myopathy. Last evaluated: 2018-01-12. Review status: criteria provided, single submitter. Criteria: ICSL Variant Classification Criteria 13 December 2019. Collection method: clinical testing. Allele origin: germline.

PreventionGenetics, part of Exact Sciences
Classification: Likely benign for TRIM32-related condition. Last evaluated: 2022-08-03. Review status: no assertion criteria provided. Collection method: clinical testing. Allele origin: germline. Not counted in ClinVar's aggregate classification.
Comment: This variant is classified as likely benign based on ACMG/AMP sequence variant interpretation guidelines (Richards et al. 2015 PMID: 25741868, with internal and published modifications).